The following is an entry in ClinVar:

NM_014425.5(INVS):c.2069-18_2069-16del

Gene: INVS (inversin; plus strand). Cytogenetic location: 9q31.1.
Variant type: Deletion.
Coding change: c.2069-18_2069-16del on transcript NM_014425.5 (MANE Select); 18 bases into the intron before coding-DNA position 2069 through 16 bases into the intron before coding-DNA position 2069, 3 bases deleted (TTT; older notation c.2069-18_2069-16delTTT).
Molecular consequence: intron variant.
Genome position (GRCh38, 1-based): chr9:100,292,308-100,292,310, TTT deleted; deleting any 3 consecutive bases within chr9:100,292,305-100,292,310 gives the same sequence; the c. name uses the placement nearest the transcript's 3' end. VCF-style (leftmost placement, unchanged base first): chr9-100292304-ATTT-A. GRCh37 (hg19) VCF-style: chr9-103054586-ATTT-A.
Other names: NC_000009.11:g.103054590_103054592del; p.?; c.1781-18_1781-16del (NM_001318381.2); c.1091-18_1091-16del (NM_001318382.2).
Identifiers: ClinVar variation 1164592 (VCV001164592.27), dbSNP rs577372332, ClinGen allele CA5158555.

ClinVar aggregate classification (germline): Benign/Likely benign. Review status: criteria provided, multiple submitters, no conflicts (2 of 4 stars). 6 submissions from 6 submitters: Benign (1); Likely benign (3). 2 of the submissions do not count toward it. Last evaluated 2026-01-26.

Conditions:
Nephronophthisis. Also called: Juvenile Nephronophthisis. Identifiers: Orphanet 655, MedGen C0687120, MONDO:0019005, HP:0000090.

Submissions (7):

Labcorp Genetics (formerly Invitae), Labcorp
Classification: Benign for Nephronophthisis. Last evaluated: 2026-01-26. Review status: criteria provided, single submitter. Criteria: Invitae Variant Classification Sherloc (09022015). Collection method: clinical testing. Allele origin: germline.

Blueprint Genetics
Classification: Likely benign. Last evaluated: 2024-11-27. Review status: criteria provided, single submitter. Criteria: ACMG Guidelines, 2015. Collection method: clinical testing. Allele origin: germline.

CeGaT Center for Human Genetics Tuebingen
Classification: Likely benign. Last evaluated: 2024-10-01. Review status: criteria provided, single submitter. Criteria: CeGaT Center For Human Genetics Tuebingen Variant Classification Criteria Version 2. Collection method: clinical testing. Allele origin: germline. Affected: yes. Observed: 1 variant allele.
Comment: INVS: BS2

Mayo Clinic Laboratories, Mayo Clinic
Classification: Likely benign. Last evaluated: 2024-07-11. Review status: criteria provided, single submitter. Criteria: ACMG Guidelines, 2015. Collection method: clinical testing. Allele origin: germline. Observed: 5 variant alleles.
Comment: BS1

Clinical Genetics, Academic Medical Center
Classification: Likely benign. Review status: no assertion criteria provided. Collection method: clinical testing. Allele origin: germline. Affected: yes. Study: VKGL Data-share Consensus. Not counted in ClinVar's aggregate classification.

Dr. Peter K. Rogan Lab, Western University
No classification provided (evidence only). Condition: Chronic lymphocytic leukemia/small lymphocytic lymphoma. Review status: no classification provided. Collection method: in vitro. Allele origin: not applicable. Functional consequence: skipped exon, retained intron. Not counted in ClinVar's aggregate classification.

Genome Diagnostics Laboratory, University Medical Center Utrecht
Classification: Likely benign. Review status: no assertion criteria provided. Collection method: clinical testing. Allele origin: germline. Affected: yes. Study: VKGL Data-share Consensus. Not counted in ClinVar's aggregate classification.